The following is an entry in ClinVar:

NM_025074.7(FRAS1):c.160G>C (p.Asp54His)

Gene: FRAS1 (Fraser extracellular matrix complex subunit 1; plus strand). Cytogenetic location: 4q21.21.
Variant type: single nucleotide variant.
Coding change: c.160G>C on transcript NM_025074.7 (MANE Select); coding-DNA position 160, G replaced by C.
Protein change: p.Asp54His; replaces aspartic acid 54 with histidine.
Molecular consequence: missense variant.
Genome position (GRCh38, 1-based): chr4:78,237,561, G>C. VCF-style: chr4-78237561-G-C. GRCh37 (hg19) VCF-style: chr4-79158715-G-C.
Other names: p.Asp54His; c.160G>C, p.Asp54His (NM_001166133.2); short protein forms D54H.
Identifiers: ClinVar variation 349652 (VCV000349652.16), dbSNP rs17003071, ClinGen allele CA2975849.

ClinVar aggregate classification (germline): Benign. Review status: criteria provided, multiple submitters, no conflicts (2 of 4 stars). 6 submissions from 6 submitters: Benign (4). 2 of the submissions do not count toward it. Last evaluated 2026-02-04.

Conditions:
Fraser syndrome 1 (FRASRS1). Also called: CRYPTOPHTHALMOS WITH OTHER MALFORMATIONS. Identifiers: Orphanet 2052, MedGen C4551480, MONDO:0054737, OMIM 219000.

Allele frequency attached by ClinVar (database versions not stated): gnomAD exomes 0.01750; ExAC 0.01931; gnomAD 0.03786 and 0.03918; ESP Exome Variant Server 0.03894; TOPMed 0.04342; 1000 Genomes Project 0.05990; 1000 Genomes Project 30x 0.06074.
gnomAD v4.1: 17,553 of 1,613,084 alleles (1.1%); highest among the groups gnomAD compares: African/African-American, 12%; 635 homozygotes.

Submissions (6):

Labcorp Genetics (formerly Invitae), Labcorp
Classification: Benign. Last evaluated: 2026-02-04. Review status: criteria provided, single submitter. Criteria: Invitae Variant Classification Sherloc (09022015). Collection method: clinical testing. Allele origin: germline.

Mayo Clinic Laboratories, Mayo Clinic
Classification: Benign. Last evaluated: 2023-10-06. Review status: criteria provided, single submitter. Criteria: ACMG Guidelines, 2015. Collection method: clinical testing. Allele origin: germline. Observed: 5 variant alleles.
Comment: BS1, BS2

Illumina Laboratory Services, Illumina
Classification: Benign for Fraser syndrome 1. Last evaluated: 2018-01-13. Review status: criteria provided, single submitter. Criteria: ICSL Variant Classification Criteria 13 December 2019. Collection method: clinical testing. Allele origin: germline.
Comment: This variant was observed in the ICSL laboratory as part of a predisposition screen in an ostensibly healthy population. It had not been previously curated by ICSL or reported in the Human Gene Mutation Database (HGMD: prior to June 1st, 2018), and was therefore a candidate for classification through an automated scoring system. Utilizing variant allele frequency, disease prevalence and penetrance estimates, and inheritance mode, an automated score was calculated to assess if this variant is too frequent to cause the disease. Based on the score and internal cut-off values, a variant classified as benign is not then subjected to further curation. The score for this variant resulted in a classification of benign for this disease.

Breakthrough Genomics
Classification: Benign. Review status: criteria provided, single submitter. Criteria: ACMG Guidelines, 2015. Collection method: not provided. Allele origin: germline. Inheritance: Autosomal recessive inheritance. Affected: yes.

Clinical Genetics DNA and cytogenetics Diagnostics Lab, Erasmus MC, Erasmus Medical Center
Classification: Benign. Review status: no assertion criteria provided. Collection method: clinical testing. Allele origin: germline. Affected: yes. Study: VKGL Data-share Consensus. Not counted in ClinVar's aggregate classification.

Genome Diagnostics Laboratory, University Medical Center Utrecht
Classification: Benign. Review status: no assertion criteria provided. Collection method: clinical testing. Allele origin: germline. Affected: yes. Study: VKGL Data-share Consensus. Not counted in ClinVar's aggregate classification.

Literature cited by the submitters: PubMed 34979951 (cited by Mayo Clinic Laboratories, Mayo Clinic).